The following is an entry in ClinVar:

NM_139343.3(BIN1):c.1240-7C>A

Gene: BIN1 (bridging integrator 1; minus strand). Cytogenetic location: 2q14.3.
Variant type: single nucleotide variant.
Coding change: c.1240-7C>A on transcript NM_139343.3 (MANE Select); 7 bases into the intron before coding-DNA position 1240, C replaced by A.
Molecular consequence: intron variant.
Genome position (GRCh38, 1-based): chr2:127,053,452, G>T on the plus strand (C>A on the coding strand, the complement: BIN1 is on the minus strand). VCF-style: chr2-127053452-G-T. GRCh37 (hg19) VCF-style: chr2-127811028-G-T.
Other names: c.1159-7C>A (NM_001320642.1); c.838-2540C>A (NM_001320634.1); c.910-2540C>A (NM_139351.3); c.910-2209C>A (NM_139350.3); c.910-1090C>A (NM_139349.3); c.1039-2209C>A (NM_139348.3); c.1039-1090C>A (NM_139347.3); c.1147-7C>A (NM_001320641.2); and 7 more.
Identifiers: ClinVar variation 3650823 (VCV003650823.2).

ClinVar aggregate classification (germline): Uncertain significance (1 of 4 stars; one submission).

Conditions:
Myopathy, centronuclear, 2 (CNM2). Also called: MYOTUBULAR MYOPATHY, AUTOSOMAL RECESSIVE. Identifiers: Orphanet 169186, MedGen CN031787, MONDO:0009709, OMIM 255200.

Submission:

Labcorp Genetics (formerly Invitae), Labcorp
Classification: Uncertain significance for Myopathy, centronuclear, 2. Last evaluated: 2024-07-24. Review status: criteria provided, single submitter. Criteria: Invitae Variant Classification Sherloc (09022015). Collection method: clinical testing. Allele origin: germline.
Comment: This sequence change falls in intron 13 of the BIN1 gene. It does not directly change the encoded amino acid sequence of the BIN1 protein. This variant is not present in population databases (gnomAD no frequency). This variant has not been reported in the literature in individuals affected with BIN1-related conditions. Algorithms developed to predict the effect of sequence changes on RNA splicing suggest that this variant may disrupt the consensus splice site. In summary, the available evidence is currently insufficient to determine the role of this variant in disease. Therefore, it has been classified as a Variant of Uncertain Significance.